The following is an entry in ClinVar:

ClinVar aggregate classification (germline): Benign/Likely benign. Review status: criteria provided, multiple submitters, no conflicts (2 of 4 stars). 5 submissions from 5 submitters: Benign (1); Likely benign (4). Last evaluated 2025-11-25.

Conditions:
Tuberous sclerosis 2 (TSC2). Identifiers: Orphanet 805, MedGen C1860707, MONDO:0013199, OMIM 613254.

Allele frequency attached by ClinVar (database versions not stated): gnomAD exomes below 0.00001; TOPMed 0.00001.
gnomAD v4.1: 4 of 1,613,854 alleles (0.00025%); highest among the groups gnomAD compares: Middle Eastern, 0.049%; no homozygotes.

Submissions (5):

Labcorp Genetics (formerly Invitae), Labcorp
Classification: Likely benign for Tuberous sclerosis 2. Last evaluated: 2025-11-25. Review status: criteria provided, single submitter. Criteria: Invitae Variant Classification Sherloc (09022015). Collection method: clinical testing. Allele origin: germline.

Myriad Genetics, Inc.
Classification: Likely benign for Tuberous sclerosis 2. Last evaluated: 2025-05-13. Review status: criteria provided, single submitter. Criteria: Myriad Autosomal Dominant, Autosomal Recessive and X-Linked Classification Criteria (2023). Collection method: clinical testing. Allele origin: unknown.
Comment: This variant is considered likely benign. This variant is intronic and is not expected to impact mRNA splicing.

Blueprint Genetics
Classification: Likely benign. Last evaluated: 2024-03-28. Review status: criteria provided, single submitter. Criteria: ACMG Guidelines, 2015. Collection method: clinical testing. Allele origin: germline.

Genome-Nilou Lab
Classification: Benign for Tuberous sclerosis 2. Last evaluated: 2021-11-07. Review status: criteria provided, single submitter. Criteria: ACMG Guidelines, 2015. Collection method: clinical testing. Allele origin: germline. Affected: no.

Athena Diagnostics
Classification: Likely benign. Last evaluated: 2019-06-17. Review status: criteria provided, single submitter. Criteria: Athena Diagnostics Criteria. Collection method: clinical testing. Allele origin: germline.

NM_000548.5(TSC2):c.1257+10C>G

Gene: TSC2 (TSC complex subunit 2; plus strand). Cytogenetic location: 16p13.3.
Variant type: single nucleotide variant.
Coding change: c.1257+10C>G on transcript NM_000548.5 (MANE Select); 10 bases into the intron after coding-DNA position 1257, C replaced by G.
Molecular consequence: intron variant.
Genome position (GRCh38, 1-based): chr16:2,062,018, C>G. VCF-style: chr16-2062018-C-G. GRCh37 (hg19) VCF-style: chr16-2112019-C-G.
Other names: c.1257+10C>G (NM_001114382.3, NM_021055.3, NM_001370405.1 and 3 more transcripts); c.1146+10C>G (NM_001318827.2); c.657+10C>G (NM_001318831.2); c.1110+10C>G (NM_001318829.2); c.1290+10C>G (NM_001318832.2).
Identifiers: ClinVar variation 536056 (VCV000536056.16), dbSNP rs756063576, ClinGen allele CA620704813.